The following is an entry in ClinVar:

ClinVar aggregate classification (germline): Uncertain significance (1 of 4 stars; one submission).

Allele frequency attached by ClinVar (database versions not stated): gnomAD 0.00001; gnomAD exomes 0.00001 and 0.00002; TOPMed 0.00001; ExAC 0.00002.
gnomAD v4.1: 10 of 1,614,020 alleles (0.00062%); highest among the groups gnomAD compares: East Asian, 0.0022%; no homozygotes.

Submission:

Labcorp Genetics (formerly Invitae), Labcorp
Classification: Uncertain significance. Last evaluated: 2022-08-16. Review status: criteria provided, single submitter. Criteria: Invitae Variant Classification Sherloc (09022015). Collection method: clinical testing. Allele origin: germline.
Comment: This sequence change replaces arginine, which is basic and polar, with glutamine, which is neutral and polar, at codon 1021 of the DUOX2 protein (p.Arg1021Gln). This variant is present in population databases (rs769692791, gnomAD 0.006%). This variant has not been reported in the literature in individuals affected with DUOX2-related conditions. ClinVar contains an entry for this variant (Variation ID: 1449285). Advanced modeling of protein sequence and biophysical properties (such as structural, functional, and spatial information, amino acid conservation, physicochemical variation, residue mobility, and thermodynamic stability) performed at Invitae indicates that this missense variant is not expected to disrupt DUOX2 protein function. In summary, the available evidence is currently insufficient to determine the role of this variant in disease. Therefore, it has been classified as a Variant of Uncertain Significance.

NM_001363711.2(DUOX2):c.3062G>A (p.Arg1021Gln)

Gene: DUOX2 (dual oxidase 2; minus strand). Cytogenetic location: 15q21.1.
Variant type: single nucleotide variant.
Coding change: c.3062G>A on transcript NM_001363711.2 (MANE Select); coding-DNA position 3062, G replaced by A.
Protein change: p.Arg1021Gln; replaces arginine 1021 with glutamine.
Molecular consequence: missense variant.
Genome position (GRCh38, 1-based): chr15:45,100,172, C>T on the plus strand (G>A on the coding strand, the complement: DUOX2 is on the minus strand). VCF-style: chr15-45100172-C-T. GRCh37 (hg19) VCF-style: chr15-45392370-C-T.
Other names: c.3062G>A, p.Arg1021Gln (NM_014080.5); short protein forms R1021Q.
Identifiers: ClinVar variation 1449285 (VCV001449285.5), dbSNP rs769692791, ClinGen allele CA7538023.
Genomic context (GRCh38, chr15:45,100,172, plus strand): 5'-TGCCTCCGGTAGTTCTCCACGAAGCGCTTGTACTGCTGCAGCTTTTGGGCTAGGAAGCCT[C>T]GCTGCATCTTCTCTTGCAGCGCCTCTGTGTACAGCCGGGGAGTGGGCACTGCTGCCCTAT-3'
Protein context (NP_001350640.1, residues 1011-1031): YTEALQEKMQ[Arg1021Gln]GFLAQKLQQY